The following is an entry in ClinVar:

Single allele

Variant type: Deletion.
Identifiers: ClinVar variation 156886 (VCV000156886.2).

ClinVar aggregate classification (germline): not provided. Review status: no classification provided (0 of 4 stars). 5 submissions from 1 submitter: not provided (5).

Conditions:
Preeclampsia. Identifiers: Orphanet 275555, MedGen C0032914, MONDO:0005081, HP:0100602.
Large for gestational age. Identifiers: MedGen C1848395, HP:0001520.
Normal pregnancy. Identifiers: MedGen C0232989.
Small for gestational age. Also called: Low birth weight. Identifiers: MedGen C0235991, HP:0001518.
Gestational diabetes mellitus uncontrolled. Identifiers: MedGen C3532257.

Submissions (5):

Institute of Molecular and Cell Biology, University of Tartu
No classification provided. Condition: Normal pregnancy. Review status: no classification provided. Collection method: case-control. Allele origin: unknown. Affected: yes. Study: Kasak2014.
Comment: The study aimed to determine the contribution of copy number variants in the genetic etiology of normal and complicated pregnancies. The samples represented (i) maternal blood DNA drawn from healthy pregnant women during 1st or 2nd trimester and (ii) maternal and paternal blood DNA drawn at term pregnancy cases representing normal and complicated gestations (severe preeclampsia, PE; gestational diabetes, GD; small-for-gestational age newborn, SGA; large-for-gestational age newborn, LGA). We performed CNV calling based on genome-wide genotyping dataset (Illumina HumanOmniExpress-24-v1 BeadChip) by applying three algorithms, QuantiSNP, GADA (Genome Alteration Detection Algorithm) and CNstream in parallel. The acquired CNV calls were merged with HD-CNV (Hotspot Detector for Copy Number Variants) program and only the CNVs predicted by at least two programs, were considered in subsequent analysis.

Institute of Molecular and Cell Biology, University of Tartu
No classification provided. Condition: Small for gestational age. Review status: no classification provided. Collection method: case-control. Allele origin: unknown. Affected: yes. Study: Kasak2014.
Comment: the same text as in the submission from Institute of Molecular and Cell Biology, University of Tartu above.

Institute of Molecular and Cell Biology, University of Tartu
No classification provided. Condition: Large for gestational age. Review status: no classification provided. Collection method: case-control. Allele origin: unknown. Affected: yes. Study: Kasak2014.
Comment: the same text as in the submission from Institute of Molecular and Cell Biology, University of Tartu above.

Institute of Molecular and Cell Biology, University of Tartu
No classification provided. Condition: Preeclampsia. Review status: no classification provided. Collection method: case-control. Allele origin: unknown. Affected: yes. Study: Kasak2014.
Comment: the same text as in the submission from Institute of Molecular and Cell Biology, University of Tartu above.

Institute of Molecular and Cell Biology, University of Tartu
No classification provided. Condition: Gestational diabetes mellitus uncontrolled. Review status: no classification provided. Collection method: case-control. Allele origin: unknown. Affected: yes. Study: Kasak2014.
Comment: the same text as in the submission from Institute of Molecular and Cell Biology, University of Tartu above.

Literature cited by the submitters: PubMed 25666259.